The following is an entry in ClinVar:

ClinVar aggregate classification (germline): Pathogenic (1 of 4 stars; one submission).

Conditions:
Hyperphosphatasia with impaired intellectual development syndrome 2. Also called: GLYCOSYLPHOSPHATIDYLINOSITOL BIOSYNTHESIS DEFECT 6; Hyperphosphatasia with intellectual disability syndrome 2. Identifiers: Orphanet 247262, MedGen C3553637, MONDO:0013882, OMIM 614749.

gnomAD v4.1: 2 of 1,613,730 alleles (0.00012%); highest among the groups gnomAD compares: Non-Finnish European, 0.00017%; no homozygotes.

Submission:

Labcorp Genetics (formerly Invitae), Labcorp
Classification: Pathogenic for Hyperphosphatasia with impaired intellectual development syndrome 2. Last evaluated: 2025-05-01. Review status: criteria provided, single submitter. Criteria: Invitae Variant Classification Sherloc (09022015). Collection method: clinical testing. Allele origin: germline.
Comment: This sequence change creates a premature translational stop signal (p.Trp760*) in the PIGO gene. It is expected to result in an absent or disrupted protein product. Loss-of-function variants in PIGO are known to be pathogenic (PMID: 22683086, 24417746). This variant is present in population databases (rs756106279, gnomAD 0.0009%). This variant has not been reported in the literature in individuals affected with PIGO-related conditions. ClinVar contains an entry for this variant (Variation ID: 3730076). For these reasons, this variant has been classified as Pathogenic.

Literature cited by the submitters: PubMed 22683086; PubMed 24417746.

NM_032634.4(PIGO):c.2279G>A (p.Trp760Ter)

Gene: PIGO (phosphatidylinositol glycan anchor biosynthesis class O; minus strand). Cytogenetic location: 9p13.3.
Variant type: single nucleotide variant.
Coding change: c.2279G>A on transcript NM_032634.4 (MANE Select); coding-DNA position 2279, G replaced by A.
Protein change: p.Trp760Ter; replaces tryptophan 760 with a stop codon.
Molecular consequence: nonsense. On other transcripts: intron variant (2).
Genome position (GRCh38, 1-based): chr9:35,091,608, C>T on the plus strand (G>A on the coding strand, the complement: PIGO is on the minus strand). VCF-style: chr9-35091608-C-T. GRCh37 (hg19) VCF-style: chr9-35091605-C-T.
Other names: c.1345-317G>A (NM_152850.4, NM_001201484.2); short protein forms W760*.
Identifiers: ClinVar variation 3730076 (VCV003730076.2).